The following is an entry in ClinVar:

NM_000169.3(GLA):c.777_778del (p.Gly261fs)

Genes: GLA (galactosidase alpha; minus strand), RPL36A-HNRNPH2 (RPL36A-HNRNPH2 readthrough; plus strand). Cytogenetic location: Xq22.1.
Variant type: Deletion.
Coding change: c.777_778del on transcript NM_000169.3 (MANE Select); coding-DNA positions 777 to 778, 2 bases deleted (AG; older notation c.777_778delAG).
Protein change: p.Gly261fs; shifts the reading frame from glycine 261.
Molecular consequence: frameshift variant. On other transcripts: non-coding transcript variant (3), intron variant (2).
Genome position (GRCh38, 1-based): chrX:101,398,808-101,398,809, CT deleted on the plus strand (AG on the coding strand, the reverse complement: GLA is on the minus strand). VCF-style (leftmost placement, unchanged base first): chrX-101398807-CCT-C. GRCh37 (hg19) VCF-style: chrX-100653795-CCT-C.
Other names: c.900_901del, p.Gly302fs (NM_001406747.1); c.777_778del, p.Gly261fs (NM_001406748.1); c.300+3351_300+3352del (NM_001199973.2); c.177+6986_177+6987del (NM_001199974.2); short protein forms G261fs, G302fs.
Identifiers: ClinVar variation 4087006 (VCV004087006.2).
Genomic context (GRCh38, chrX:101,398,807, plus strand): 5'-ACCGCAGGGTCTTGAACAAGGAGGGCTCAAGTTTTTACCATATCTGGGTCATTCCAACCC[CCT>C]GGTCCAGCAACATCAACAATTCTCTCCTGGTTAAAAGATGTCCAGTCCAAGATACTCTTT-3'

ClinVar aggregate classification (germline): Pathogenic (1 of 4 stars; one submission).

Conditions:
Fabry disease. Also called: ALPHA-GALACTOSIDASE A DEFICIENCY; ANDERSON-FABRY DISEASE; CERAMIDE TRIHEXOSIDASE DEFICIENCY; GLA DEFICIENCY; HEREDITARY DYSTOPIC LIPIDOSIS; Angiokeratoma corporis diffusum. Identifiers: Orphanet 324, MedGen C0002986, MONDO:0010526, OMIM 301500, HP:0001071. Disease mechanism: Fabry disease is due to inactivating mutations in the X-linked GLA gene resulting in deficiency of the enzyme Alpha Galactosidase-A., loss of function.

Submission:

Genomenon, Inc
Classification: Pathogenic for Fabry disease. Last evaluated: 2026-09-08. Review status: criteria provided, single submitter. Criteria: Genomenon Sequence Variant Interpretation Standards - Updated. Collection method: curation. Allele origin: germline. Affected: yes.
Comment: GLA p.Gly261LeufsTer3 (c.777_778del) is a frameshift variant that is predicted to introduce a premature termination codon and result in a truncated or absent protein product. This variant has been observed in at least one proband with clinical features consistent with Fabry disease (PMID:38847497). The variant was found to segregate with disease in at least one affected family (PMID:38847497). At least one functional study has demonstrated a substantial alteration in protein function relative to the wild-type (PMID:38847497). It is absent or not present at a significant frequency in gnomAD. In conclusion, we classify GLA p.Gly261LeufsTer3 (c.777_778del) as a pathogenic variant.

Literature cited by the submitters: PubMed 38847497.